The following is an entry in ClinVar:

ClinVar aggregate classification (germline): Uncertain significance (1 of 4 stars; one submission).

Allele frequency attached by ClinVar (database versions not stated): gnomAD exomes below 0.00001; TOPMed below 0.00001.
gnomAD v4.1: 2 of 1,614,074 alleles (0.00012%); highest among the groups gnomAD compares: Admixed American, 0.0017%; no homozygotes.

Submission:

Labcorp Genetics (formerly Invitae), Labcorp
Classification: Uncertain significance. Last evaluated: 2022-07-16. Review status: criteria provided, single submitter. Criteria: Invitae Variant Classification Sherloc (09022015). Collection method: clinical testing. Allele origin: germline.
Comment: This sequence change replaces proline, which is neutral and non-polar, with leucine, which is neutral and non-polar, at codon 30 of the ERCC3 protein (p.Pro30Leu). In summary, the available evidence is currently insufficient to determine the role of this variant in disease. Therefore, it has been classified as a Variant of Uncertain Significance. Algorithms developed to predict the effect of missense changes on protein structure and function (SIFT, PolyPhen-2, Align-GVGD) all suggest that this variant is likely to be tolerated. This variant has not been reported in the literature in individuals affected with ERCC3-related conditions. This variant is present in population databases (no rsID available, gnomAD 0.003%).

NM_000122.2(ERCC3):c.89C>T (p.Pro30Leu)

Gene: ERCC3 (ERCC excision repair 3, TFIIH core complex helicase subunit; minus strand). Cytogenetic location: 2q14.3.
Variant type: single nucleotide variant.
Coding change: c.89C>T on transcript NM_000122.2 (MANE Select); coding-DNA position 89, C replaced by T.
Protein change: p.Pro30Leu; replaces proline 30 with leucine.
Molecular consequence: missense variant. On other transcripts: 5 prime UTR variant (2).
Genome position (GRCh38, 1-based): chr2:127,293,658, G>A on the plus strand (C>T on the coding strand, the complement: ERCC3 is on the minus strand). VCF-style: chr2-127293658-G-A. GRCh37 (hg19) VCF-style: chr2-128051234-G-A.
Other names: c.-104C>T (NM_001303416.2, NM_001303418.2); short protein forms P30L.
Identifiers: ClinVar variation 2172858 (VCV002172858.2), dbSNP rs1371919188, ClinGen allele CA348392293.